The following is an entry in ClinVar:

NM_005502.4(ABCA1):c.2391dup (p.Glu798Ter)

Gene: ABCA1 (ATP binding cassette subfamily A member 1; minus strand). Cytogenetic location: 9q31.1.
Variant type: Duplication.
Coding change: c.2391dup on transcript NM_005502.4 (MANE Select); coding-DNA position 2391, one base duplicated (T; older notation c.2391dupT).
Protein change: p.Glu798Ter; replaces glutamic acid 798 with a stop codon.
Molecular consequence: nonsense.
Genome position (GRCh38, 1-based): chr9:104,825,834, A duplicated on the plus strand (T on the coding strand, the reverse complement: ABCA1 is on the minus strand); the first of 5 consecutive A bases (chr9:104,825,834-104,825,838); duplicating any one gives the same sequence. VCF-style (leftmost placement, unchanged base first): chr9-104825833-C-CA. GRCh37 (hg19) VCF-style: chr9-107588114-C-CA.
Other names: short protein forms E798*.
Identifiers: ClinVar variation 4869775 (VCV004869775.1).

ClinVar aggregate classification (germline): Likely pathogenic (1 of 4 stars; one submission).

Conditions:
Cardiovascular phenotype. Identifiers: MedGen CN230736.

Submission:

Ambry Genetics
Classification: Likely pathogenic for Cardiovascular phenotype. Last evaluated: 2026-06-01. Review status: criteria provided, single submitter. Criteria: Ambry Variant Classification Scheme 2023. Collection method: clinical testing. Allele origin: germline.
Comment: The c.2391dupT (p.E798*) alteration, located in exon 17 (coding exon 16) of the ABCA1 gene, consists of a duplication of T at position 2391, causing a translational frameshift with a predicted alternate stop codon. Nonsense variants are typically expected to result in loss of function by premature protein truncation or nonsense-mediated mRNA decay. However, in silico splice site analysis predicts that this alteration will result in the creation or strengthening of a novel splice donor site and the resulting transcript is predicted to be in-frame, although direct evidence is unavailable. This variant was not reported in population-based cohorts in the Genome Aggregation Database (gnomAD). Based on the available evidence, this alteration is classified as likely pathogenic.